The following is an entry in ClinVar:

NM_002225.5(IVD):c.1124G>A (p.Gly375Asp)

Gene: IVD (isovaleryl-CoA dehydrogenase; plus strand). Cytogenetic location: 15q15.1.
Variant type: single nucleotide variant.
Coding change: c.1124G>A on transcript NM_002225.5 (MANE Select); coding-DNA position 1124, G replaced by A.
Protein change: p.Gly375Asp; replaces glycine 375 with aspartic acid.
Molecular consequence: missense variant. On other transcripts: non-coding transcript variant (1).
Genome position (GRCh38, 1-based): chr15:40,416,348, G>A. VCF-style: chr15-40416348-G-A. GRCh37 (hg19) VCF-style: chr15-40708547-G-A.
Other names: c.1133G>A (NM_002225.3); c.1211G>A, p.Gly404Asp (NM_001354600.3, NM_001354599.3); c.1124G>A, p.Gly375Asp (NM_001354601.3, NM_001354598.3); c.1034G>A, p.Gly345Asp (NM_001159508.3); c.1076G>A, p.Gly359Asp (NM_001354597.3); short protein forms G345D, G359D, G375D, G404D.
Identifiers: ClinVar variation 1698660 (VCV001698660.8), dbSNP rs769261274, ClinGen allele CA7480890.

ClinVar aggregate classification (germline): Conflicting classifications of pathogenicity. Review status: criteria provided, conflicting classifications (1 of 4 stars). 4 submissions from 4 submitters: Likely pathogenic (3); Uncertain significance (1). Last evaluated 2025-12-30.

Conditions:
Isovaleryl-CoA dehydrogenase deficiency (IVA). Also called: ISOVALERIC ACID CoA DEHYDROGENASE DEFICIENCY; Classic Isovaleric Acidemia; Isovaleric acidemia; IVD DEFICIENCY. Identifiers: Orphanet 33, MedGen C0268575, MONDO:0009475, OMIM 243500.

Allele frequency attached by ClinVar (database versions not stated): gnomAD exomes below 0.00001 and 0.00001; ExAC 0.00002; gnomAD 0.00003 and 0.00004; TOPMed 0.00003.
gnomAD v4.1: 11 of 1,613,906 alleles (0.00068%); highest among the groups gnomAD compares: African/African-American, 0.0027%; no homozygotes.

Submissions (4):

Natera, Inc.
Classification: Likely pathogenic for Isovaleryl-coa dehydrogenase deficiency. Last evaluated: 2025-12-30. Review status: criteria provided, single submitter. Criteria: Natera Variant Classification Schema (03/2026). Collection method: clinical testing. Allele origin: germline.
Comment: The c.1133G>A variant in IVD is a missense variant predicted to cause substitution of glycine to aspartic acid at amino acid 378. This variant is rare in the general population with a frequency below the threshold expected for the associated phenotype(s). This variant has been observed in one or more individuals affected with the associated recessive disease, as either homozygous or compound heterozygous with a second variant (PMID: 32977617, 37429829). A different variant at the same position has been determined to be Pathogenic or Likely Pathogenic. Computational prediction algorithms indicate this variant is likely to affect gene or protein function. Given the available evidence, this variant is classified as Likely Pathogenic.

Baylor Genetics
Classification: Likely pathogenic for Isovaleryl-CoA dehydrogenase deficiency. Last evaluated: 2024-02-29. Review status: criteria provided, single submitter. Criteria: ACMG Guidelines, 2015. Collection method: clinical testing. Allele origin: unknown.

Labcorp Genetics (formerly Invitae), Labcorp
Classification: Likely pathogenic for Isovaleryl-CoA dehydrogenase deficiency. Last evaluated: 2023-11-02. Review status: criteria provided, single submitter. Criteria: Invitae Variant Classification Sherloc (09022015). Collection method: clinical testing. Allele origin: germline.
Comment: This sequence change replaces glycine, which is neutral and non-polar, with aspartic acid, which is acidic and polar, at codon 378 of the IVD protein (p.Gly378Asp). This variant is present in population databases (rs769261274, gnomAD 0.007%). This missense change has been observed in individuals with isovaleric acidemia (PMID: 19089597, 25220015, 32778825, 32977617). This variant is also known as p.G375A or p.Gly346Asp. ClinVar contains an entry for this variant (Variation ID: 1698660). An algorithm developed to predict the effect of missense changes on protein structure and function (PolyPhen-2) suggests that this variant is likely to be disruptive. This variant disrupts the p.Gly378 amino acid residue in IVD. Other variant(s) that disrupt this residue have been determined to be pathogenic (PMID: 32977617, 33496032, 33565069). This suggests that this residue is clinically significant, and that variants that disrupt this residue are likely to be disease-causing. In summary, the currently available evidence indicates that the variant is pathogenic, but additional data are needed to prove that conclusively. Therefore, this variant has been classified as Likely Pathogenic.

Women's Health and Genetics/Laboratory Corporation of America, LabCorp
Classification: Uncertain significance. Last evaluated: 2022-06-29. Review status: criteria provided, single submitter. Criteria: LabCorp Variant Classification Summary - May 2015. Collection method: clinical testing. Allele origin: germline.
Comment: Variant summary: IVD c.1124G>A (p.Gly375Asp) results in a non-conservative amino acid change in the encoded protein sequence. Five of five in-silico tools predict a damaging effect of the variant on protein function. The variant allele was found at a frequency of 8e-06 in 251408 control chromosomes (gnomAD and publication data). c.1124G>A has been reported in the literature in multiple compound heterozygous and homozygous individuals affected with Isovaleryl-CoA Dehydrogenase Deficiency or Inborn Errors of Metabolism (example Bonilla Guerrero_2008, Ozgul_2014, Szymanska_2020, Adhikari_2020). These data indicate that the variant may be associated with disease. To our knowledge, no experimental evidence demonstrating an impact on protein function has been reported. No clinical diagnostic laboratories have submitted clinical-significance assessments for this variant to ClinVar after 2014. Based on the evidence outlined above, the variant was classified as VUS-possibly pathogenic.

Literature cited by the submitters: PubMed 32977617 (cited by 3 submitters); PubMed 37429829 (cited by Natera, Inc.); PubMed 19089597 (cited by Labcorp Genetics (formerly Invitae), Labcorp and Women's Health and Genetics/Laboratory Corporation of America, LabCorp); PubMed 25220015 (cited by Labcorp Genetics (formerly Invitae), Labcorp and Women's Health and Genetics/Laboratory Corporation of America, LabCorp); PubMed 32778825 (cited by Labcorp Genetics (formerly Invitae), Labcorp and Women's Health and Genetics/Laboratory Corporation of America, LabCorp); PubMed 33496032 (cited by Labcorp Genetics (formerly Invitae), Labcorp); PubMed 33565069 (cited by Labcorp Genetics (formerly Invitae), Labcorp).